The following is an entry in ClinVar:

NM_000179.3(MSH6):c.2997C>G (p.Thr999=)

Gene: MSH6 (mutS homolog 6; plus strand). Cytogenetic location: 2p16.3.
Variant type: single nucleotide variant.
Coding change: c.2997C>G on transcript NM_000179.3 (MANE Select); coding-DNA position 2997, C replaced by G.
Protein change: p.Thr999=; no amino-acid change (threonine 999 retained).
Molecular consequence: synonymous variant.
Genome position (GRCh38, 1-based): chr2:47,800,980, C>G. VCF-style: chr2-47800980-C-G. GRCh37 (hg19) VCF-style: chr2-48028119-C-G.
Other names: c.2607C>G, p.Thr869= (NM_001281492.2); c.2091C>G, p.Thr697= (NM_001281493.2, NM_001281494.2).
Identifiers: ClinVar variation 219625 (VCV000219625.19), dbSNP rs751279827, ClinGen allele CA348524.
Genomic context (GRCh38, chr2:47,800,980, plus strand): 5'-GGAAATTCCTGAGAATTTCACCACTCGCAATTTGCCAGAAGAATACGAGTTGAAATCTAC[C>G]AAGAAGGGCTGTAAACGATACTGGACCAAAACTATTGAAAAGAAGTTGGCTAATCTCATA-3'
Protein context (NP_000170.1, residues 989-1009): NLPEEYELKS[Thr999=]KKGCKRYWTK

ClinVar aggregate classification (germline): Benign/Likely benign. Review status: criteria provided, multiple submitters, no conflicts (2 of 4 stars). 4 submissions from 4 submitters: Benign (1); Likely benign (3). Last evaluated 2025-01-02.

Conditions:
Hereditary nonpolyposis colorectal neoplasms. Identifiers: MedGen C0009405, MeSH D003123.
Hereditary cancer-predisposing syndrome. Also called: Hereditary neoplastic syndrome; Tumor predisposition; Hereditary Cancer Syndrome; Neoplastic Syndromes, Hereditary. Identifiers: Orphanet 140162, MedGen C0027672, MeSH D009386, MONDO:0015356.
Lynch syndrome 5 (LYNCH5). Also called: Colorectal cancer, hereditary nonpolyposis, type 5; Hereditary non-polyposis colorectal cancer, type 5. Identifiers: Orphanet 144, MedGen C1833477, MONDO:0013710, OMIM 614350. Disease mechanism: loss of function.

Submissions (4):

Myriad Genetics, Inc.
Classification: Benign for Lynch syndrome 5. Last evaluated: 2025-01-02. Review status: criteria provided, single submitter. Criteria: Myriad Autosomal Dominant, Autosomal Recessive and X-Linked Classification Criteria (2023). Collection method: clinical testing. Allele origin: unknown.
Comment: This variant is considered benign. This variant is a silent/synonymous amino acid change and it is not expected to impact splicing.

Labcorp Genetics (formerly Invitae), Labcorp
Classification: Likely benign for Hereditary nonpolyposis colorectal neoplasms. Last evaluated: 2024-12-12. Review status: criteria provided, single submitter. Criteria: Invitae Variant Classification Sherloc (09022015). Collection method: clinical testing. Allele origin: germline.

Ambry Genetics
Classification: Likely benign for Hereditary cancer-predisposing syndrome. Last evaluated: 2018-08-14. Review status: criteria provided, single submitter. Criteria: Ambry Variant Classification Scheme 2023. Collection method: clinical testing. Allele origin: germline.

Color Diagnostics, LLC DBA Color Health
Classification: Likely benign for Hereditary cancer-predisposing syndrome. Last evaluated: 2017-08-14. Review status: criteria provided, single submitter. Criteria: ACMG Guidelines, 2015. Collection method: clinical testing. Allele origin: germline.